The following is an entry in ClinVar:

NM_004260.4(RECQL4):c.2732A>G (p.Gln911Arg)

Gene: RECQL4 (RecQ like helicase 4; minus strand). Cytogenetic location: 8q24.3.
Variant type: single nucleotide variant.
Coding change: c.2732A>G on transcript NM_004260.4 (MANE Select); coding-DNA position 2732, A replaced by G.
Protein change: p.Gln911Arg; replaces glutamine 911 with arginine.
Molecular consequence: missense variant.
Genome position (GRCh38, 1-based): chr8:144,512,870, T>C on the plus strand (A>G on the coding strand, the complement: RECQL4 is on the minus strand). VCF-style: chr8-144512870-T-C. GRCh37 (hg19) VCF-style: chr8-145738253-T-C.
Other names: short protein forms Q911R.
Identifiers: ClinVar variation 573527 (VCV000573527.8), dbSNP rs770437224, ClinGen allele CA4948133.
Genomic context (GRCh38, chr8:144,512,870, plus strand): 5'-CCCTCCACACCCCTGTGGCTTACCCCAGGTTCCTCACCCTCCTCCGGCATGTCCAAAGCC[T>C]GTACGGTAAGCTGTATTGGGAGTGCCCGCTCATGGCCCATGCAGACCCTTCTGGGTCCTG-3'
Protein context (NP_004251.4, residues 901-921): ERALPIQLTV[Gln911Arg]ALDMPEEAIE

ClinVar aggregate classification (germline): Uncertain significance. Review status: criteria provided, multiple submitters, no conflicts (2 of 4 stars). 2 submissions from 2 submitters: Uncertain significance (2). Last evaluated 2023-05-08.

Conditions:
Baller-Gerold syndrome (BGS). Also called: CRANIOSYNOSTOSIS WITH RADIAL DEFECTS. Identifiers: Orphanet 1225, MedGen C0265308, MONDO:0009039, OMIM 218600.

Allele frequency attached by ClinVar (database versions not stated): TOPMed below 0.00001; gnomAD 0.00001; gnomAD exomes 0.00001 and 0.00002; ExAC 0.00002.
gnomAD v4.1: 12 of 1,600,288 alleles (0.00075%); highest among the groups gnomAD compares: South Asian, 0.0011%; no homozygotes.

Submissions (2):

Labcorp Genetics (formerly Invitae), Labcorp
Classification: Uncertain significance for Baller-Gerold syndrome. Last evaluated: 2023-05-08. Review status: criteria provided, single submitter. Criteria: Invitae Variant Classification Sherloc (09022015). Collection method: clinical testing. Allele origin: germline.
Comment: ClinVar contains an entry for this variant (Variation ID: 573527). This variant has not been reported in the literature in individuals affected with RECQL4-related conditions. This variant is present in population databases (rs770437224, gnomAD 0.02%). This sequence change replaces glutamine, which is neutral and polar, with arginine, which is basic and polar, at codon 911 of the RECQL4 protein (p.Gln911Arg). Advanced modeling of protein sequence and biophysical properties (such as structural, functional, and spatial information, amino acid conservation, physicochemical variation, residue mobility, and thermodynamic stability) performed at Invitae indicates that this missense variant is not expected to disrupt RECQL4 protein function. In summary, the available evidence is currently insufficient to determine the role of this variant in disease. Therefore, it has been classified as a Variant of Uncertain Significance.

Blueprint Genetics
Classification: Uncertain significance. Last evaluated: 2019-07-15. Review status: criteria provided, single submitter. Criteria: ACMG Guidelines, 2015. Collection method: clinical testing. Allele origin: germline.